The following is an entry in ClinVar:

NM_019066.5(MAGEL2):c.2742G>A (p.Trp914Ter)

Gene: MAGEL2 (MAGE family member L2; minus strand). Cytogenetic location: 15q11.2.
Variant type: single nucleotide variant.
Coding change: c.2742G>A on transcript NM_019066.5 (MANE Select); coding-DNA position 2742, G replaced by A.
Protein change: p.Trp914Ter; replaces tryptophan 914 with a stop codon.
Molecular consequence: nonsense.
Genome position (GRCh38, 1-based): chr15:23,645,001, C>T on the plus strand (G>A on the coding strand, the complement: MAGEL2 is on the minus strand). VCF-style: chr15-23645001-C-T. GRCh37 (hg19) VCF-style: chr15-23890148-C-T.
Other names: short protein forms W914*.
Identifiers: ClinVar variation 4991880 (VCV004991880.1).

ClinVar aggregate classification (germline): Likely pathogenic (1 of 4 stars; one submission).

Conditions:
MAGEL2-related disorder. Also called: MAGEL2-related condition.

Submission:

PreventionGenetics, part of Exact Sciences
Classification: Likely pathogenic for MAGEL2-related condition. Last evaluated: 2025-12-23. Review status: criteria provided, single submitter. Criteria: ACMG Guidelines, 2015. Collection method: clinical testing. Allele origin: germline.
Comment: The MAGEL2 c.2742G>A variant is predicted to result in premature protein termination (p.Trp914*). To our knowledge, this variant has not been reported in the literature or in a large population database (gnomAD), indicating this variant is rare. Nonsense variants in MAGEL2 are expected to be pathogenic. This variant is interpreted as likely pathogenic.